The following is an entry in ClinVar:

ClinVar aggregate classification (germline): Conflicting classifications of pathogenicity. Review status: criteria provided, conflicting classifications (1 of 4 stars). 5 submissions from 5 submitters: Uncertain significance (2); Likely benign (2). 1 of the submissions does not count toward it. Last evaluated 2026-01-14.

Conditions:
TUBA8-related disorder. Also called: TUBA8-related condition.

Allele frequency attached by ClinVar (database versions not stated): gnomAD exomes 0.00018 and 0.00051; ExAC 0.00059; gnomAD 0.00194 and 0.00213; 1000 Genomes Project 0.00220; TOPMed 0.00253; 1000 Genomes Project 30x 0.00265; ESP Exome Variant Server 0.00308.
gnomAD v4.1: 588 of 1,614,042 alleles (0.036%); highest among the groups gnomAD compares: African/African-American, 0.64%; 1 homozygote.

Submissions (5):

Labcorp Genetics (formerly Invitae), Labcorp
Classification: Likely benign. Last evaluated: 2026-01-14. Review status: criteria provided, single submitter. Criteria: Invitae Variant Classification Sherloc (09022015). Collection method: clinical testing. Allele origin: germline.

Ambry Genetics
Classification: Uncertain significance. Last evaluated: 2025-08-03. Review status: criteria provided, single submitter. Criteria: Ambry Variant Classification Scheme 2023. Collection method: clinical testing. Allele origin: germline.

GeneDx
Classification: Likely benign. Last evaluated: 2020-03-12. Review status: criteria provided, single submitter. Criteria: GeneDx Variant Classification Process June 2021. Collection method: clinical testing. Allele origin: germline. Affected: yes.
Comment: In silico analysis, which includes protein predictors and evolutionary conservation, supports a deleterious effect; Has not been previously published as pathogenic or benign to our knowledge

Eurofins Ntd Llc (ga)
Classification: Uncertain significance. Last evaluated: 2016-12-08. Review status: criteria provided, single submitter. Criteria: EGL Classification Definitions 2015. Collection method: clinical testing. Allele origin: germline. Observed: 1 variant allele, 1 heterozygote.

PreventionGenetics, part of Exact Sciences
Classification: Likely benign for TUBA8-related condition. Last evaluated: 2022-06-13. Review status: no assertion criteria provided. Collection method: clinical testing. Allele origin: germline. Not counted in ClinVar's aggregate classification.
Comment: This variant is classified as likely benign based on ACMG/AMP sequence variant interpretation guidelines (Richards et al. 2015 PMID: 25741868, with internal and published modifications).

NM_018943.3(TUBA8):c.1334A>T (p.Glu445Val)

Gene: TUBA8 (tubulin alpha 8; plus strand). Cytogenetic location: 22q11.21.
Variant type: single nucleotide variant.
Coding change: c.1334A>T on transcript NM_018943.3 (MANE Select); coding-DNA position 1334, A replaced by T.
Protein change: p.Glu445Val; replaces glutamic acid 445 with valine.
Molecular consequence: missense variant.
Genome position (GRCh38, 1-based): chr22:18,131,120, A>T. VCF-style: chr22-18131120-A-T. GRCh37 (hg19) VCF-style: chr22-18613887-A-T.
Other names: c.1136A>T, p.Glu379Val (NM_001193414.2); short protein forms E445V, E379V.
Identifiers: ClinVar variation 499146 (VCV000499146.18), dbSNP rs138073466, ClinGen allele CA10093885.